The following is an entry in ClinVar:

ClinVar aggregate classification (germline): Uncertain significance (1 of 4 stars; one submission).

Submission:

Ambry Genetics
Classification: Uncertain significance. Last evaluated: 2022-02-06. Review status: criteria provided, single submitter. Criteria: Ambry Variant Classification Scheme 2023. Collection method: clinical testing. Allele origin: germline.
Comment: The p.S84T variant (also known as c.250T>A), located in coding exon 4 of the NPAT gene, results from a T to A substitution at nucleotide position 250. The serine at codon 84 is replaced by threonine, an amino acid with similar properties. This amino acid position is conserved. In addition, this alteration is predicted to be tolerated by in silico analysis. Since supporting evidence is limited at this time, the clinical significance of this alteration remains unclear.

NM_002519.3(NPAT):c.250T>A (p.Ser84Thr)

Gene: NPAT (nuclear protein, coactivator of histone transcription; minus strand). Cytogenetic location: 11q22.3.
Variant type: single nucleotide variant.
Coding change: c.250T>A on transcript NM_002519.3 (MANE Select); coding-DNA position 250, T replaced by A.
Protein change: p.Ser84Thr; replaces serine 84 with threonine.
Molecular consequence: missense variant.
Genome position (GRCh38, 1-based): chr11:108,192,158, A>T on the plus strand (T>A on the coding strand, the complement: NPAT is on the minus strand). VCF-style: chr11-108192158-A-T. GRCh37 (hg19) VCF-style: chr11-108062885-A-T.
Other names: c.250T>A, p.Ser84Thr (NM_001321307.1); short protein forms S84T.
Identifiers: ClinVar variation 1792387 (VCV001792387.2), dbSNP rs2496751373, ClinGen allele CA382526655.